The following is an entry in ClinVar:

ClinVar aggregate classification (germline): Uncertain significance (1 of 4 stars; one submission).

Submission:

CeGaT Center for Human Genetics Tuebingen
Classification: Uncertain significance. Last evaluated: 2022-05-01. Review status: criteria provided, single submitter. Criteria: CeGaT Center For Human Genetics Tuebingen Variant Classification Criteria Version 2. Collection method: clinical testing. Allele origin: germline. Affected: yes. Observed: 1 variant allele.
Comment: KLHL1: PM2

NM_020866.3(KLHL1):c.2134A>G (p.Thr712Ala)

Gene: KLHL1 (kelch like family member 1; minus strand). Cytogenetic location: 13q21.33.
Variant type: single nucleotide variant.
Coding change: c.2134A>G on transcript NM_020866.3 (MANE Select); coding-DNA position 2134, A replaced by G.
Protein change: p.Thr712Ala; replaces threonine 712 with alanine.
Molecular consequence: missense variant.
Genome position (GRCh38, 1-based): chr13:69,707,678, T>C on the plus strand (A>G on the coding strand, the complement: KLHL1 is on the minus strand). VCF-style: chr13-69707678-T-C. GRCh37 (hg19) VCF-style: chr13-70281810-T-C.
Other names: c.1951A>G, p.Thr651Ala (NM_001286725.2); short protein forms T651A, T712A.
Identifiers: ClinVar variation 2643838 (VCV002643838.24), dbSNP rs2501237639, ClinGen allele CA388326310.